The following is an entry in ClinVar:

ClinVar aggregate classification (germline): Uncertain significance (1 of 4 stars; one submission).

Submission:

GeneDx
Classification: Uncertain significance. Last evaluated: 2019-03-14. Review status: criteria provided, single submitter. Criteria: GeneDx Variant Classification Process June 2021. Collection method: clinical testing. Allele origin: germline. Affected: yes.
Comment: Not observed in large population cohorts (Lek et al., 2016; McVean et al., 2012; Exome Variant Server); Frameshift variant predicted to result in protein truncation or nonsense mediated decay in a gene for which loss-of-function is not a known mechanism of disease; Has not been previously published as pathogenic or benign to our knowledge

NM_012199.5(AGO1):c.2081del (p.Lys694fs)

Gene: AGO1 (argonaute RISC component 1; plus strand). Cytogenetic location: 1p34.3.
Variant type: Deletion.
Coding change: c.2081del on transcript NM_012199.5 (MANE Select); coding-DNA position 2081, one base deleted (A; older notation c.2081delA).
Protein change: p.Lys694fs; shifts the reading frame from lysine 694.
Molecular consequence: frameshift variant.
Genome position (GRCh38, 1-based): chr1:35,917,645, A deleted; the last of 4 consecutive A bases (chr1:35,917,642-35,917,645); deleting any one gives the same sequence. VCF-style (leftmost placement, unchanged base first): chr1-35917641-GA-G. GRCh37 (hg19) VCF-style: chr1-36383242-GA-G.
Other names: c.2081del, p.Lys694fs (NM_001317122.2); c.1856del, p.Lys619fs (NM_001317123.2); short protein forms K619fs, K694fs.
Identifiers: ClinVar variation 1306823 (VCV001306823.2), dbSNP rs2148725180, ClinGen allele CA2573051561.